The following is an entry in ClinVar:

ClinVar aggregate classification (germline): Uncertain significance. Review status: criteria provided, multiple submitters, no conflicts (2 of 4 stars). 2 submissions from 2 submitters: Uncertain significance (2). Last evaluated 2024-08-05.

Conditions:
MHC class II deficiency. Also called: BLS, TYPE II; Bare lymphocyte syndrome 2. Identifiers: Orphanet 572, MedGen C5447452, MONDO:0008855.

Allele frequency attached by ClinVar (database versions not stated): gnomAD exomes 0.00002; gnomAD 0.00003; TOPMed 0.00003.
gnomAD v4.1: 19 of 1,518,772 alleles (0.0013%); highest among the groups gnomAD compares: Non-Finnish European, 0.0017%; no homozygotes.

Submissions (2):

Labcorp Genetics (formerly Invitae), Labcorp
Classification: Uncertain significance for MHC class II deficiency. Last evaluated: 2024-08-05. Review status: criteria provided, single submitter. Criteria: Invitae Variant Classification Sherloc (09022015). Collection method: clinical testing. Allele origin: germline.
Comment: This sequence change replaces alanine, which is neutral and non-polar, with serine, which is neutral and polar, at codon 40 of the RFXAP protein (p.Ala40Ser). The frequency data for this variant in the population databases is considered unreliable, as metrics indicate poor data quality at this position in the gnomAD database. This variant has not been reported in the literature in individuals affected with RFXAP-related conditions. ClinVar contains an entry for this variant (Variation ID: 1022745). Advanced modeling of protein sequence and biophysical properties (such as structural, functional, and spatial information, amino acid conservation, physicochemical variation, residue mobility, and thermodynamic stability) performed at Invitae indicates that this missense variant is not expected to disrupt RFXAP protein function with a negative predictive value of 80%. In summary, the available evidence is currently insufficient to determine the role of this variant in disease. Therefore, it has been classified as a Variant of Uncertain Significance.

Ambry Genetics
Classification: Uncertain significance. Last evaluated: 2023-08-04. Review status: criteria provided, single submitter. Criteria: Ambry Variant Classification Scheme 2023. Collection method: clinical testing. Allele origin: germline.

NM_000538.4(RFXAP):c.118G>T (p.Ala40Ser)

Genes: RFXAP (regulatory factor X associated protein; plus strand), LOC130009573 (ATAC-STARR-seq lymphoblastoid silent region 5267; plus strand). Cytogenetic location: 13q13.3.
Variant type: single nucleotide variant.
Coding change: c.118G>T on transcript NM_000538.4 (MANE Select); coding-DNA position 118, G replaced by T.
Protein change: p.Ala40Ser; replaces alanine 40 with serine.
Molecular consequence: missense variant.
Genome position (GRCh38, 1-based): chr13:36,819,475, G>T. VCF-style: chr13-36819475-G-T. GRCh37 (hg19) VCF-style: chr13-37393612-G-T.
Other names: c.118G>T (NM_000538.3); short protein forms A40S.
Identifiers: ClinVar variation 1022745 (VCV001022745.9), dbSNP rs1320172546, ClinGen allele CA387852252.
Genomic context (GRCh38, chr13:36,819,475, plus strand): 5'-CACCCCGCGGCCCTAGCCCCGGCTGCGGCTCCCACCTTGGCGCCAGCCTCGGTGGCGGCC[G>T]CGGCCTCTCAATTCACCCTGCTAGTGATGCAACCCTGTGCTGGGCAGGACGAGGCTGCGG-3'
Protein context (NP_000529.1, residues 30-50): PTLAPASVAA[Ala40Ser]ASQFTLLVMQ